The following is an entry in ClinVar:

NM_001080517.3(SETD5):c.960-5C>G

Gene: SETD5 (SET domain containing 5; plus strand). Cytogenetic location: 3p25.3.
Variant type: single nucleotide variant.
Coding change: c.960-5C>G on transcript NM_001080517.3 (MANE Select); 5 bases into the intron before coding-DNA position 960, C replaced by G.
Molecular consequence: intron variant.
Genome position (GRCh38, 1-based): chr3:9,442,123, C>G. VCF-style: chr3-9442123-C-G. GRCh37 (hg19) VCF-style: chr3-9483807-C-G.
Other names: c.666-5C>G (NM_001349451.2, NM_001292043.2).
Identifiers: ClinVar variation 1064598 (VCV001064598.4), dbSNP rs2125193661, ClinGen allele CA1139532846.

ClinVar aggregate classification (germline): Pathogenic/Likely pathogenic. Review status: criteria provided, multiple submitters, no conflicts (2 of 4 stars). 2 submissions from 2 submitters: Pathogenic (1); Likely pathogenic (1). Last evaluated 2020-10-19.

Conditions:
Intellectual disability-facial dysmorphism syndrome due to SETD5 haploinsufficiency (MRD23). Also called: Intellectual developmental disorder, autosomal dominant 23. Identifiers: Orphanet 404440, MedGen C3810406, MONDO:0014336, OMIM 615761.

Submissions (2):

Victorian Clinical Genetics Services, Murdoch Childrens Research Institute
Classification: Pathogenic for Intellectual disability-facial dysmorphism syndrome due to SETD5 haploinsufficiency. Last evaluated: 2020-10-19. Review status: criteria provided, single submitter. Criteria: ACMG Guidelines, 2015. Collection method: clinical testing. Allele origin: germline. Inheritance: Autosomal dominant inheritance.
Comment: Based on the classification scheme VCGS_Germline_v1.1.1, this variant is classified as Pathogenic. Following criteria are met: 0102 - Loss-of-function is a known mechanism of disease for this gene. (N) 0107 - This gene is known to be associated with autosomal dominant disease. (N) 0201 - Variant is predicted to cause nonsense-mediated decay (NMD) and loss of protein (intron 19 of 22) (P) 0210 - Splice site variant (canonical or non-canonical) proven to affect splicing/expression of the transcript with a known effect on protein structure. This variant has been proven to result in aberrant splicing resulting in out-of-frame exon 10 skipping, p.(Pro321Cysfs*4) (Splicing Diagnostics, Kid’s Neuroscience Centre) (N) 0251 - Variant is heterozygous. (N) 0301 - Variant is absent from gnomAD. (P) 0508 – In silico predictions for abnormal splicing are conflicting. (N) 0701 - Comparable variants have very strong previous evidence for pathogenicity. Many other NMD predicted variants have been reported as pathogenic in patients with SETD5-related intellectual disability (ClinVar, PMID: 28905509) (P) 0807 - Variant has not previously been reported in a clinical context. (N) 0905 - No segregation evidence has been identified for this variant. (N) 1007 - No published functional evidence has been identified for this variant. (P) Legend: (P) - Pathogenic, (N) - Neutral, (B) - Benign

Kids Neuroscience Centre, Sydney Children's Hospitals Network
Classification: Likely pathogenic for Intellectual disability-facial dysmorphism syndrome due to SETD5 haploinsufficiency. Review status: criteria provided, single submitter. Criteria: Bournazos AM et al. (Genet Med 2021). Collection method: clinical testing. Allele origin: de novo. Inheritance: Autosomal dominant inheritance. Affected: yes. Observed: 1 heterozygote.
Comment: The c.960-5C>G variant induces exon 10 skipping (p.(Pro321Cysfs*4)) causing a frameshift, encoding 4 missense amino acids and a premature termination codon. These transcripts are predicted to be targeted for nonsense-mediated decay. Any mis-spliced SETD5 transcripts with exon 10 skipping that escape nonsense-mediated decay encode SETD5 proteins missing 1121 amino acids (p.(Pro321_Ser1442del)) from the C-terminus.

Literature cited by the submitters: PubMed 28905509 (cited by Victorian Clinical Genetics Services, Murdoch Childrens Research Institute).